The following is an entry in ClinVar:

ClinVar aggregate classification (germline): Likely benign (1 of 4 stars; one submission).

Allele frequency attached by ClinVar (database versions not stated): 1000 Genomes Project 30x 0.00141; 1000 Genomes Project 0.00160; TOPMed 0.00193; ESP Exome Variant Server 0.00247; gnomAD exomes 0.00404; ExAC 0.00542; gnomAD 0.00576.
gnomAD v4.1: 6,745 of 1,608,556 alleles (0.42%); highest among the groups gnomAD compares: Non-Finnish European, 0.32%; 73 homozygotes.

Submission:

CeGaT Center for Human Genetics Tuebingen
Classification: Likely benign. Last evaluated: 2023-03-01. Review status: criteria provided, single submitter. Criteria: CeGaT Center For Human Genetics Tuebingen Variant Classification Criteria Version 2. Collection method: clinical testing. Allele origin: germline. Affected: yes. Observed: 2 variant alleles.
Comment: MYOM3: BP4, BP7

NM_152372.4(MYOM3):c.3294C>T (p.Asp1098=)

Gene: MYOM3 (myomesin 3; minus strand). Cytogenetic location: 1p36.11.
Variant type: single nucleotide variant.
Coding change: c.3294C>T on transcript NM_152372.4 (MANE Select); coding-DNA position 3294, C replaced by T.
Protein change: p.Asp1098=; no amino-acid change (aspartic acid 1098 retained).
Molecular consequence: synonymous variant.
Genome position (GRCh38, 1-based): chr1:24,068,224, G>A on the plus strand (C>T on the coding strand, the complement: MYOM3 is on the minus strand). VCF-style: chr1-24068224-G-A. GRCh37 (hg19) VCF-style: chr1-24394714-G-A.
Identifiers: ClinVar variation 2638489 (VCV002638489.24), dbSNP rs200672813, ClinGen allele CA687431.